The following is an entry in ClinVar:

NM_001127222.2(CACNA1A):c.4250+4G>C

Genes: CACNA1A (calcium voltage-gated channel subunit alpha1 A; minus strand), LOC126862864 (MED14-independent group 3 enhancer GRCh37_chr19:13371552-13372751; plus strand). Cytogenetic location: 19p13.13.
Variant type: single nucleotide variant.
Coding change: c.4250+4G>C on transcript NM_001127222.2 (MANE Select); 4 bases into the intron after coding-DNA position 4250, G replaced by C.
Molecular consequence: intron variant.
Genome position (GRCh38, 1-based): chr19:13,261,446, C>G on the plus strand (G>C on the coding strand, the complement: CACNA1A is on the minus strand). VCF-style: chr19-13261446-C-G. GRCh37 (hg19) VCF-style: chr19-13372260-C-G.
Other names: c.4253+4G>C (NM_001127221.2, NM_001174080.2); c.4262+4G>C (NM_000068.4, NM_023035.3).
Identifiers: ClinVar variation 2684116 (VCV002684116.1), dbSNP rs2512759115, ClinGen allele CA2697556334.

ClinVar aggregate classification (germline): Uncertain significance (1 of 4 stars; one submission).

Submission:

Athena Diagnostics
Classification: Uncertain significance. Last evaluated: 2022-10-18. Review status: criteria provided, single submitter. Criteria: Athena Diagnostics Criteria. Collection method: clinical testing. Allele origin: unknown.
Comment: Available data are insufficient to determine the clinical significance of the variant at this time. This variant has not been reported in large, multi-ethnic general populations. Computational tools yielded predictions that this variant is unlikely to have an effect on normal RNA splicing.